The following is an entry in ClinVar:

NM_001388067.1(MIPOL1):c.477T>C (p.Ile159=)

Gene: MIPOL1 (mirror-image polydactyly 1; plus strand). Cytogenetic location: 14q13.3.
Variant type: single nucleotide variant.
Coding change: c.477T>C on transcript NM_001388067.1 (MANE Select); coding-DNA position 477, T replaced by C.
Protein change: p.Ile159=; no amino-acid change (isoleucine 159 retained).
Molecular consequence: synonymous variant.
Genome position (GRCh38, 1-based): chr14:37,270,509, T>C. VCF-style: chr14-37270509-T-C. GRCh37 (hg19) VCF-style: chr14-37739714-T-C.
Other names: c.477T>C, p.Ile159= (NM_001195296.2, NM_001195297.2, NM_001388068.1 and 5 more transcripts); c.384T>C, p.Ile128= (NM_001388070.1, NM_001388071.1, NM_001388072.1 and 2 more transcripts).
Identifiers: ClinVar variation 3050985 (VCV003050985.2), dbSNP rs143254882, ClinGen allele CA7159690.

ClinVar aggregate classification (germline): Likely benign (0 of 4 stars; one submission).

Conditions:
MIPOL1-related disorder. Also called: MIPOL1-related condition.

Allele frequency attached by ClinVar (database versions not stated): 1000 Genomes Project 30x 0.00016; 1000 Genomes Project 0.00020; ESP Exome Variant Server 0.00023; TOPMed 0.00043; gnomAD 0.00044; ExAC 0.00051; gnomAD exomes 0.00064.
gnomAD v4.1: 984 of 1,595,412 alleles (0.062%); highest among the groups gnomAD compares: Non-Finnish European, 0.08%; no homozygotes.

Submission:

PreventionGenetics, part of Exact Sciences
Classification: Likely benign for MIPOL1-related condition. Last evaluated: 2022-03-11. Review status: no assertion criteria provided. Collection method: clinical testing. Allele origin: germline.
Comment: This variant is classified as likely benign based on ACMG/AMP sequence variant interpretation guidelines (Richards et al. 2015 PMID: 25741868, with internal and published modifications).